The following is an entry in ClinVar:

NM_000092.5(COL4A4):c.3145G>A (p.Asp1049Asn)

Gene: COL4A4 (collagen type IV alpha 4 chain; minus strand). Cytogenetic location: 2q36.3.
Variant type: single nucleotide variant.
Coding change: c.3145G>A on transcript NM_000092.5 (MANE Select); coding-DNA position 3145, G replaced by A.
Protein change: p.Asp1049Asn; replaces aspartic acid 1049 with asparagine.
Molecular consequence: missense variant.
Genome position (GRCh38, 1-based): chr2:227,050,982, C>T on the plus strand (G>A on the coding strand, the complement: COL4A4 is on the minus strand). VCF-style: chr2-227050982-C-T. GRCh37 (hg19) VCF-style: chr2-227915698-C-T.
Other names: short protein forms D1049N.
Identifiers: ClinVar variation 1950604 (VCV001950604.2), dbSNP rs2473967012, ClinGen allele CA350838943.

ClinVar aggregate classification (germline): Uncertain significance (1 of 4 stars; one submission).

Submission:

Labcorp Genetics (formerly Invitae), Labcorp
Classification: Uncertain significance. Last evaluated: 2022-09-09. Review status: criteria provided, single submitter. Criteria: Invitae Variant Classification Sherloc (09022015). Collection method: clinical testing. Allele origin: germline.
Comment: This sequence change replaces aspartic acid, which is acidic and polar, with asparagine, which is neutral and polar, at codon 1049 of the COL4A4 protein (p.Asp1049Asn). This variant is not present in population databases (gnomAD no frequency). This variant has not been reported in the literature in individuals affected with COL4A4-related conditions. Advanced modeling of protein sequence and biophysical properties (such as structural, functional, and spatial information, amino acid conservation, physicochemical variation, residue mobility, and thermodynamic stability) performed at Invitae indicates that this missense variant is not expected to disrupt COL4A4 protein function. Algorithms developed to predict the effect of sequence changes on RNA splicing suggest that this variant may create or strengthen a splice site. In summary, the available evidence is currently insufficient to determine the role of this variant in disease. Therefore, it has been classified as a Variant of Uncertain Significance.